The following is an entry in ClinVar:

NM_000183.3(HADHB):c.210-9G>A

Gene: HADHB (hydroxyacyl-CoA dehydrogenase trifunctional multienzyme complex subunit beta; plus strand). Cytogenetic location: 2p23.3.
Variant type: single nucleotide variant.
Coding change: c.210-9G>A on transcript NM_000183.3 (MANE Select); 9 bases into the intron before coding-DNA position 210, G replaced by A.
Molecular consequence: intron variant.
Genome position (GRCh38, 1-based): chr2:26,269,944, G>A. VCF-style: chr2-26269944-G-A. GRCh37 (hg19) VCF-style: chr2-26492812-G-A.
Other names: c.144-9G>A (NM_001281513.2); c.210-3707G>A (NM_001281512.2).
Identifiers: ClinVar variation 509444 (VCV000509444.11), dbSNP rs538575997, ClinGen allele CA1560132.
Genomic context (GRCh38, chr2:26,269,944, plus strand): 5'-CAAATAGAATGAAAATTTTTCATTGAAGCTCTAGGGTTTTGGTTTAAATTACTGGTTTTC[G>A]TTCCCCAGATATAAAGACCTGATGCCACATGATTTGGCTAGAGCAGCGCTTACGTAAGTA-3'

ClinVar aggregate classification (germline): Likely benign. Review status: criteria provided, multiple submitters, no conflicts (2 of 4 stars). 2 submissions from 2 submitters: Likely benign (2). Last evaluated 2025-12-23.

Conditions:
Mitochondrial trifunctional protein deficiency. Identifiers: Orphanet 746, MedGen C1969443, MONDO:0012172.

Allele frequency attached by ClinVar (database versions not stated): ExAC 0.00001; gnomAD exomes 0.00001 and 0.00002; gnomAD 0.00002 and 0.00003; TOPMed 0.00002; 1000 Genomes Project 30x 0.00016; 1000 Genomes Project 0.00020.
gnomAD v4.1: 18 of 1,598,354 alleles (0.0011%); highest among the groups gnomAD compares: Admixed American, 0.012%; no homozygotes.

Submissions (2):

Labcorp Genetics (formerly Invitae), Labcorp
Classification: Likely benign for Mitochondrial trifunctional protein deficiency. Last evaluated: 2025-12-23. Review status: criteria provided, single submitter. Criteria: Invitae Variant Classification Sherloc (09022015). Collection method: clinical testing. Allele origin: germline.

GeneDx
Classification: Likely benign. Last evaluated: 2017-05-22. Review status: criteria provided, single submitter. Criteria: GeneDx Variant Classification (06012015). Collection method: clinical testing. Allele origin: germline. Affected: yes.
Comment: This variant is considered likely benign or benign based on one or more of the following criteria: it is a conservative change, it occurs at a poorly conserved position in the protein, it is predicted to be benign by multiple in silico algorithms, and/or has population frequency not consistent with disease.